The following is an entry in ClinVar:

ClinVar aggregate classification (germline): Uncertain significance. Review status: criteria provided, multiple submitters, no conflicts (2 of 4 stars). 3 submissions from 3 submitters: Uncertain significance (3). Last evaluated 2022-04-24.

Conditions:
Warburg micro syndrome 1 (WARBM1). Identifiers: Orphanet 2510, MedGen C1838625, MONDO:0010822, OMIM 600118.

Allele frequency attached by ClinVar (database versions not stated): gnomAD 0.00001; TOPMed 0.00002; gnomAD exomes 0.00003 and 0.00006; ExAC 0.00006.
gnomAD v4.1: 19 of 1,613,770 alleles (0.0012%); highest among the groups gnomAD compares: Admixed American, 0.032%; no homozygotes.

Submissions (3):

Labcorp Genetics (formerly Invitae), Labcorp
Classification: Uncertain significance. Last evaluated: 2022-04-24. Review status: criteria provided, single submitter. Criteria: Invitae Variant Classification Sherloc (09022015). Collection method: clinical testing. Allele origin: germline.
Comment: This sequence change replaces lysine, which is basic and polar, with arginine, which is basic and polar, at codon 459 of the RAB3GAP1 protein (p.Lys459Arg). This variant is present in population databases (rs772002275, gnomAD 0.04%). This variant has not been reported in the literature in individuals affected with RAB3GAP1-related conditions. ClinVar contains an entry for this variant (Variation ID: 1029183). Algorithms developed to predict the effect of missense changes on protein structure and function (SIFT, PolyPhen-2, Align-GVGD) all suggest that this variant is likely to be tolerated. In summary, the available evidence is currently insufficient to determine the role of this variant in disease. Therefore, it has been classified as a Variant of Uncertain Significance.

Baylor Genetics
Classification: Uncertain significance for Warburg micro syndrome 1. Last evaluated: 2020-06-26. Review status: criteria provided, single submitter. Criteria: ACMG Guidelines, 2015. Collection method: clinical testing. Allele origin: maternal. Affected: yes.
Comment: This variant was determined to be of uncertain significance according to ACMG Guidelines, 2015 [PMID:25741868].

Genetic Services Laboratory, University of Chicago
Classification: Uncertain significance. Last evaluated: 2017-09-19. Review status: criteria provided, single submitter. Criteria: ACMG Guidelines, 2015. Collection method: clinical testing. Allele origin: germline. Affected: no.

NM_012233.3(RAB3GAP1):c.1376A>G (p.Lys459Arg)

Gene: RAB3GAP1 (RAB3 GTPase activating protein catalytic subunit 1; plus strand). Cytogenetic location: 2q21.3.
Variant type: single nucleotide variant.
Coding change: c.1376A>G on transcript NM_012233.3 (MANE Select); coding-DNA position 1376, A replaced by G.
Protein change: p.Lys459Arg; replaces lysine 459 with arginine.
Molecular consequence: missense variant.
Genome position (GRCh38, 1-based): chr2:135,133,910, A>G. VCF-style: chr2-135133910-A-G. GRCh37 (hg19) VCF-style: chr2-135891480-A-G.
Other names: c.1376A>G, p.Lys459Arg (NM_001172435.2); short protein forms K459R.
Identifiers: ClinVar variation 1029183 (VCV001029183.6), dbSNP rs772002275, ClinGen allele CA1884831.
Genomic context (GRCh38, chr2:135,133,910, plus strand): 5'-GTTAAATTTAGAATCTCTACAATCAGTTCAAGTCTGCACCATCTGACAGTTTAACATACA[A>G]ACTGGCTTTGTGTCTCTGTATGATCAATTTTTACCATGGAGGGTTGAAAGGAGTGGCACA-3'
Protein context (NP_036365.1, residues 449-469): KSAPSDSLTY[Lys459Arg]LALCLCMINF